The following is an entry in ClinVar:

ClinVar aggregate classification (germline): Uncertain significance (1 of 4 stars; one submission).

Conditions:
Myoclonic dystonia 26. Identifiers: MedGen C4225341, MONDO:0014620, OMIM 616398.

Allele frequency attached by ClinVar (database versions not stated): gnomAD exomes below 0.00001.
gnomAD v4.1: 1 of 1,613,628 alleles (0.000062%); highest among the groups gnomAD compares: Admixed American, 0.0017%; no homozygotes.

Submission:

Labcorp Genetics (formerly Invitae), Labcorp
Classification: Uncertain significance for Myoclonic dystonia 26. Last evaluated: 2021-03-25. Review status: criteria provided, single submitter. Criteria: Invitae Variant Classification Sherloc (09022015). Collection method: clinical testing. Allele origin: germline.
Comment: This sequence change replaces glycine with aspartic acid at codon 118 of the KCTD17 protein (p.Gly118Asp). The glycine residue is moderately conserved and there is a moderate physicochemical difference between glycine and aspartic acid. This variant is not present in population databases (ExAC no frequency). This variant has not been reported in the literature in individuals with KCTD17-related conditions. Algorithms developed to predict the effect of missense changes on protein structure and function (SIFT, PolyPhen-2, Align-GVGD) all suggest that this variant is likely to be tolerated, but these predictions have not been confirmed by published functional studies and their clinical significance is uncertain. In summary, the available evidence is currently insufficient to determine the role of this variant in disease. Therefore, it has been classified as a Variant of Uncertain Significance.

NM_001282684.2(KCTD17):c.332G>A (p.Gly111Asp)

Gene: KCTD17 (potassium channel tetramerization domain containing 17; plus strand). Cytogenetic location: 22q12.3.
Variant type: single nucleotide variant.
Coding change: c.332G>A on transcript NM_001282684.2 (MANE Select); coding-DNA position 332, G replaced by A.
Protein change: p.Gly111Asp; replaces glycine 111 with aspartic acid.
Molecular consequence: missense variant.
Genome position (GRCh38, 1-based): chr22:37,056,353, G>A. VCF-style: chr22-37056353-G-A. GRCh37 (hg19) VCF-style: chr22-37452393-G-A.
Other names: c.332G>A, p.Gly111Asp (NM_001282685.2, NM_001282686.2, NM_024681.4); short protein forms G111D.
Identifiers: ClinVar variation 1516101 (VCV001516101.8), dbSNP rs2145972098, ClinGen allele CA411413601.
Genomic context (GRCh38, chr22:37,056,353, plus strand): 5'-ACCTGGGATCTGTTCTGTCTGTGCCAGGGGTCCTGGAGGAAGCCGAGTTCTACAACATCG[G>A]CCCGCTGATCCGCATCATCAAAGACCGGATGGAAGAGAAGGACTACACGGTCACCCAGGT-3'
Protein context (NP_001269613.2, residues 101-121): VLEEAEFYNI[Gly111Asp]PLIRIIKDRM